The following is an entry in ClinVar:

NM_001851.6(COL9A1):c.1040G>T (p.Gly347Val)

Gene: COL9A1 (collagen type IX alpha 1 chain; minus strand). Cytogenetic location: 6q13.
Variant type: single nucleotide variant.
Coding change: c.1040G>T on transcript NM_001851.6 (MANE Select); coding-DNA position 1040, G replaced by T.
Protein change: p.Gly347Val; replaces glycine 347 with valine.
Molecular consequence: missense variant. On other transcripts: non-coding transcript variant (1).
Genome position (GRCh38, 1-based): chr6:70,274,072, C>A on the plus strand (G>T on the coding strand, the complement: COL9A1 is on the minus strand). VCF-style: chr6-70274072-C-A. GRCh37 (hg19) VCF-style: chr6-70983775-C-A.
Other names: c.311G>T, p.Gly104Val (NM_001377289.1, NM_001377290.1, NM_078485.4); short protein forms G104V, G347V.
Identifiers: ClinVar variation 1179487 (VCV001179487.10), dbSNP rs764474418, ClinGen allele CA3882477.

ClinVar aggregate classification (germline): Uncertain significance. Review status: criteria provided, multiple submitters, no conflicts (2 of 4 stars). 3 submissions from 3 submitters: Uncertain significance (3). Last evaluated 2025-07-08.

Conditions:
Inborn genetic diseases. Identifiers: MedGen C0950123, MeSH D030342.

Allele frequency attached by ClinVar (database versions not stated): gnomAD exomes below 0.00001 and 0.00002; ExAC 0.00001; TOPMed 0.00001.
gnomAD v4.1: 27 of 1,588,044 alleles (0.0017%); highest among the groups gnomAD compares: African/African-American, 0.0027%; no homozygotes.

Submissions (3):

Ambry Genetics
Classification: Uncertain significance for Inborn genetic diseases. Last evaluated: 2025-07-08. Review status: criteria provided, single submitter. Criteria: Ambry Variant Classification Scheme 2023. Collection method: clinical testing. Allele origin: germline.

Labcorp Genetics (formerly Invitae), Labcorp
Classification: Uncertain significance. Last evaluated: 2022-02-10. Review status: criteria provided, single submitter. Criteria: Invitae Variant Classification Sherloc (09022015). Collection method: clinical testing. Allele origin: germline.
Comment: This sequence change replaces glycine, which is neutral and non-polar, with valine, which is neutral and non-polar, at codon 347 of the COL9A1 protein (p.Gly347Val). This variant is present in population databases (rs764474418, gnomAD 0.004%). This variant has not been reported in the literature in individuals affected with COL9A1-related conditions. ClinVar contains an entry for this variant (Variation ID: 1179487). Advanced modeling of protein sequence and biophysical properties (such as structural, functional, and spatial information, amino acid conservation, physicochemical variation, residue mobility, and thermodynamic stability) performed at Invitae indicates that this missense variant is expected to disrupt COL9A1 protein function. In summary, the available evidence is currently insufficient to determine the role of this variant in disease. Therefore, it has been classified as a Variant of Uncertain Significance.

GeneDx
Classification: Uncertain significance. Last evaluated: 2020-11-06. Review status: criteria provided, single submitter. Criteria: GeneDx Variant Classification Process June 2021. Collection method: clinical testing. Allele origin: germline. Affected: yes.
Comment: Has not been previously published as pathogenic or benign to our knowledge; Not observed at a significant frequency in large population cohorts (Lek et al., 2016); In silico analysis supports that this missense variant has a deleterious effect on protein structure/function